The following is an entry in ClinVar:

ClinVar aggregate classification (germline): Uncertain significance (1 of 4 stars; one submission).

Allele frequency attached by ClinVar (database versions not stated): gnomAD exomes 0.00001 and 0.00003; ExAC 0.00002.
gnomAD v4.1: 6 of 1,613,644 alleles (0.00037%); highest among the groups gnomAD compares: Admixed American, 0.0083%; no homozygotes.

Submission:

Athena Diagnostics
Classification: Uncertain significance. Last evaluated: 2024-01-11. Review status: criteria provided, single submitter. Criteria: Athena Diagnostics Criteria. Collection method: clinical testing. Allele origin: unknown.
Comment: Available data are insufficient to determine the clinical significance of the variant at this time. The frequency of this variant in the general population is higher than would generally be expected for pathogenic variants in this gene. Computational tools yielded predictions that this variant is unlikely to have an effect on normal RNA splicing.

NM_000484.4(APP):c.*2C>T

Gene: APP (amyloid beta precursor protein; minus strand). Cytogenetic location: 21q21.3.
Variant type: single nucleotide variant.
Coding change: c.*2C>T on transcript NM_000484.4 (MANE Select); 2 bases downstream of the stop codon, C replaced by T.
Molecular consequence: 3 prime UTR variant.
Genome position (GRCh38, 1-based): chr21:25,881,668, G>A on the plus strand (C>T on the coding strand, the complement: APP is on the minus strand). VCF-style: chr21-25881668-G-A. GRCh37 (hg19) VCF-style: chr21-27253979-G-A.
Other names: c.*2C>T (NM_001136016.3, NM_001136129.3, NM_001136130.3 and 8 more transcripts).
Identifiers: ClinVar variation 1256563 (VCV001256563.2), dbSNP rs777073624, ClinGen allele CA9987008.